The following is an entry in ClinVar:

NM_001737.5(C9):c.367A>G (p.Asn123Asp)

Gene: C9 (complement C9; minus strand). Cytogenetic location: 5p13.1.
Variant type: single nucleotide variant.
Coding change: c.367A>G on transcript NM_001737.5 (MANE Select); coding-DNA position 367, A replaced by G.
Protein change: p.Asn123Asp; replaces asparagine 123 with aspartic acid.
Molecular consequence: missense variant.
Genome position (GRCh38, 1-based): chr5:39,341,255, T>C on the plus strand (A>G on the coding strand, the complement: C9 is on the minus strand). VCF-style: chr5-39341255-T-C. GRCh37 (hg19) VCF-style: chr5-39341357-T-C.
Other names: short protein forms N123D.
Identifiers: ClinVar variation 1495690 (VCV001495690.8), dbSNP rs773348076, ClinGen allele CA3247036.

ClinVar aggregate classification (germline): Uncertain significance (1 of 4 stars; one submission).

Allele frequency attached by ClinVar (database versions not stated): TOPMed 0.00001; gnomAD exomes below 0.00001; ExAC 0.00001; gnomAD 0.00001.
gnomAD v4.1: 1 of 1,614,056 alleles (0.000062%); highest among the groups gnomAD compares: African/African-American, 0.0013%; no homozygotes.

Submission:

Labcorp Genetics (formerly Invitae), Labcorp
Classification: Uncertain significance. Last evaluated: 2022-03-03. Review status: criteria provided, single submitter. Criteria: Invitae Variant Classification Sherloc (09022015). Collection method: clinical testing. Allele origin: germline.
Comment: In summary, the available evidence is currently insufficient to determine the role of this variant in disease. Therefore, it has been classified as a Variant of Uncertain Significance. Algorithms developed to predict the effect of missense changes on protein structure and function output the following: SIFT: "Not Available"; PolyPhen-2: "Probably Damaging"; Align-GVGD: "Not Available". The aspartic acid amino acid residue is found in multiple mammalian species, which suggests that this missense change does not adversely affect protein function. This variant has not been reported in the literature in individuals affected with C9-related conditions. This variant is present in population databases (rs773348076, gnomAD 0.007%). This sequence change replaces asparagine, which is neutral and polar, with aspartic acid, which is acidic and polar, at codon 123 of the C9 protein (p.Asn123Asp).